The following is an entry in ClinVar:

ClinVar aggregate classification (germline): Conflicting classifications of pathogenicity. Review status: criteria provided, conflicting classifications (1 of 4 stars). 10 submissions from 10 submitters: Likely pathogenic (4); Uncertain significance (6). Last evaluated 2025-10-29.

Conditions:
Ataxia-telangiectasia-like disorder (ATLD). Identifiers: MedGen C1858391, MONDO:0011457.
Hereditary cancer-predisposing syndrome. Also called: Tumor predisposition; Neoplastic Syndromes, Hereditary; Hereditary Cancer Syndrome; Hereditary neoplastic syndrome. Identifiers: Orphanet 140162, MedGen C0027672, MeSH D009386, MONDO:0015356.
Ataxia-telangiectasia-like disorder 1 (ATLD1). Identifiers: Orphanet 251347, MedGen C4012790, MONDO:0024557, OMIM 604391.

Allele frequency attached by ClinVar (database versions not stated): ExAC 0.00001; gnomAD 0.00001; TOPMed 0.00001; gnomAD exomes 0.00002; ESP Exome Variant Server 0.00008.
gnomAD v4.1: 28 of 1,595,380 alleles (0.0018%); highest among the groups gnomAD compares: East Asian, 0.0022%; no homozygotes.

Submissions (10):

Labcorp Genetics (formerly Invitae), Labcorp
Classification: Likely pathogenic for Ataxia-telangiectasia-like disorder. Last evaluated: 2025-10-29. Review status: criteria provided, single submitter. Criteria: Invitae Variant Classification Sherloc (09022015). Collection method: clinical testing. Allele origin: germline.
Comment: This sequence change replaces methionine, which is neutral and non-polar, with threonine, which is neutral and polar, at codon 26 of the MRE11 protein (p.Met26Thr). This variant is present in population databases (rs372068015, gnomAD 0.005%). This missense change has been observed in individual(s) with ataxia-telangiectasia, abnormalities of the nervous system, generalized combined dystonia and ovarian cancer (PMID: 26633542, 28849312, 30441849, 33098801, 37808486; external communication, internal data). In at least one individual the data is consistent with being in trans (on the opposite chromosome) from a pathogenic variant. It has also been observed to segregate with disease in related individuals. ClinVar contains an entry for this variant (Variation ID: 182553). An algorithm developed to predict the effect of missense changes on protein structure and function (PolyPhen-2) suggests that this variant is likely to be disruptive. In summary, the currently available evidence indicates that the variant is pathogenic, but additional data are needed to prove that conclusively. Therefore, this variant has been classified as Likely Pathogenic.

Blueprint Genetics
Classification: Uncertain significance. Last evaluated: 2024-11-12. Review status: criteria provided, single submitter. Criteria: ACMG Guidelines, 2015. Collection method: clinical testing. Allele origin: germline.

Ambry Genetics
Classification: Uncertain significance for Hereditary cancer-predisposing syndrome. Last evaluated: 2024-09-04. Review status: criteria provided, single submitter. Criteria: Ambry Variant Classification Scheme 2023. Collection method: clinical testing. Allele origin: germline.
Comment: The p.M26T variant (also known as c.77T>C), located in coding exon 2 of the MRE11A gene, results from a T to C substitution at nucleotide position 77. The methionine at codon 26 is replaced by threonine, an amino acid with similar properties. This alteration has been detected in trans with a second pathogenic mutation in MRE11A in an individual with combined dystonia (Zech M et al. Neurogenetics. 2017 Dec;18:195-205), and was detected in an individual with nervous system abnormalities who underwent whole exome sequencing (Retterer K et al. Genet Med. 2016 07;18:696-704). This amino acid position is not well conserved in available vertebrate species. In addition, the in silico prediction for this alteration is inconclusive. Since supporting evidence is limited at this time, the clinical significance of this alteration remains unclear.

Fulgent Genetics
Classification: Likely pathogenic for Ataxia-telangiectasia-like disorder 1. Last evaluated: 2024-01-26. Review status: criteria provided, single submitter. Criteria: ACMG Guidelines, 2015. Collection method: clinical testing. Allele origin: germline.

Baylor Genetics
Classification: Uncertain significance for Ataxia-telangiectasia-like disorder 1. Last evaluated: 2023-10-20. Review status: criteria provided, single submitter. Criteria: ACMG Guidelines, 2015. Collection method: clinical testing. Allele origin: unknown.

Women's Health and Genetics/Laboratory Corporation of America, LabCorp
Classification: Uncertain significance. Last evaluated: 2023-06-05. Review status: criteria provided, single submitter. Criteria: LabCorp Variant Classification Summary - May 2015. Collection method: clinical testing. Allele origin: germline.
Comment: Variant summary: MRE11 c.77T>C (p.Met26Thr) results in a non-conservative amino acid change located in the Calcineurin-like phosphoesterase domain, ApaH type (IPR004843) of the encoded protein sequence. Three of five in-silico tools predict a benign effect of the variant on protein function. The variant allele was found at a frequency of 2e-05 in 251142 control chromosomes (gnomAD). c.77T>C has been reported in the literature in an individual affected with an abnormality of the nervous system (Retterer_2016) and another with dystonia who had a pathogenic variant in trans (Zech_2017, 2020). These data indicate that the variant may be associated with disease in the context of Ataxia Telangiectasia-Like Disorder. Co-occurrence with another pathogenic variant has been reported (BRCA2 c.5946del, p.Ser1982fs, internal database), providing supporting evidence for a benign role in the context of Hereditary Breast and Ovarian Cancer Syndrome. To our knowledge, no experimental evidence demonstrating an impact on protein function has been reported. The following publications have been ascertained in the context of this evaluation (PMID: 33098801, 26633542, 28849312). Six submitters have provided clinical-significance assessments for this variant to ClinVar after 2014, and classified it as uncertain significance (n=3) or likely pathogenic (n=3). Based on the evidence outlined above, the variant was classified as VUS-possibly pathogenic.

Institute for Clinical Genetics, University Hospital TU Dresden, University Hospital TU Dresden
Classification: Uncertain significance. Last evaluated: 2021-11-03. Review status: criteria provided, single submitter. Criteria: ACMG Guidelines, 2015. Collection method: clinical testing. Allele origin: germline.

CeGaT Center for Human Genetics Tuebingen
Classification: Likely pathogenic. Last evaluated: 2020-11-01. Review status: criteria provided, single submitter. Criteria: CeGaT Center For Human Genetics Tuebingen Variant Classification Criteria Version 2. Collection method: clinical testing. Allele origin: germline. Affected: yes. Observed: 2 variant alleles.

Institute of Human Genetics Munich, TUM University Hospital
Classification: Likely pathogenic for Ataxia-telangiectasia-like disorder 1. Last evaluated: 2019-06-13. Review status: criteria provided, single submitter. Criteria: Classification criteria August 2017. Collection method: clinical testing. Allele origin: maternal. Inheritance: Autosomal recessive inheritance. Affected: yes. Observed: 1 compound heterozygote.

Illumina Laboratory Services, Illumina
Classification: Uncertain significance for Ataxia-telangiectasia-like disorder 1. Last evaluated: 2018-01-12. Review status: criteria provided, single submitter. Criteria: ICSL Variant Classification Criteria 13 December 2019. Collection method: clinical testing. Allele origin: germline.

Literature cited by the submitters: PubMed 26633542 (cited by 3 submitters); PubMed 28849312 (cited by 3 submitters); PubMed 30441849 (cited by Labcorp Genetics (formerly Invitae), Labcorp); PubMed 33098801 (cited by Labcorp Genetics (formerly Invitae), Labcorp and Women's Health and Genetics/Laboratory Corporation of America, LabCorp); PubMed 37808486 (cited by Labcorp Genetics (formerly Invitae), Labcorp).

NM_005591.4(MRE11):c.77T>C (p.Met26Thr)

Gene: MRE11 (MRE11 double strand break repair nuclease; minus strand). Cytogenetic location: 11q21.
Variant type: single nucleotide variant.
Coding change: c.77T>C on transcript NM_005591.4 (MANE Select); coding-DNA position 77, T replaced by C.
Protein change: p.Met26Thr; replaces methionine 26 with threonine.
Molecular consequence: missense variant.
Genome position (GRCh38, 1-based): chr11:94,490,909, A>G on the plus strand (T>C on the coding strand, the complement: MRE11 is on the minus strand). VCF-style: chr11-94490909-A-G. GRCh37 (hg19) VCF-style: chr11-94224075-A-G.
Other names: c.77T>C (NM_005590.3); c.77T>C, p.Met26Thr (NM_001330347.2, NM_005590.4); short protein forms M26T.
Identifiers: ClinVar variation 182553 (VCV000182553.69), dbSNP rs372068015, ClinGen allele CA299295.